The following is an entry in ClinVar:

ClinVar aggregate classification (germline): Uncertain significance. Review status: criteria provided, single submitter (1 of 4 stars). 2 submissions from 2 submitters: Uncertain significance (1). 1 of the submissions does not count toward it. Last evaluated 2022-01-15.

Conditions:
Alstrom syndrome (ALMS). Identifiers: Orphanet 64, MedGen C0268425, MONDO:0008763, OMIM 203800.

Allele frequency attached by ClinVar (database versions not stated): gnomAD 0.00001.
gnomAD v4.1: 2 of 1,613,724 alleles (0.00012%); highest among the groups gnomAD compares: Admixed American, 0.0017%; no homozygotes.

Submissions (2):

Labcorp Genetics (formerly Invitae), Labcorp
Classification: Uncertain significance for Alstrom syndrome. Last evaluated: 2022-01-15. Review status: criteria provided, single submitter. Criteria: Invitae Variant Classification Sherloc (09022015). Collection method: clinical testing. Allele origin: germline.
Comment: This sequence change replaces alanine, which is neutral and non-polar, with serine, which is neutral and polar, at codon 3201 of the ALMS1 protein (p.Ala3201Ser). This variant is present in population databases (no rsID available, gnomAD 0.007%). This variant has not been reported in the literature in individuals affected with ALMS1-related conditions. Experimental studies and prediction algorithms are not available or were not evaluated, and the functional significance of this variant is currently unknown. In summary, the available evidence is currently insufficient to determine the role of this variant in disease. Therefore, it has been classified as a Variant of Uncertain Significance.

Natera, Inc.
Classification: Uncertain significance for Alstrom syndrome. Last evaluated: 2025-03-31. Review status: no assertion criteria provided. Collection method: clinical testing. Allele origin: germline. Not counted in ClinVar's aggregate classification.

NM_001378454.1(ALMS1):c.9598G>T (p.Ala3200Ser)

Gene: ALMS1 (ALMS1 centrosome and basal body associated protein; plus strand). Cytogenetic location: 2p13.1.
Variant type: single nucleotide variant.
Coding change: c.9598G>T on transcript NM_001378454.1 (MANE Select); coding-DNA position 9598, G replaced by T.
Protein change: p.Ala3200Ser; replaces alanine 3200 with serine.
Molecular consequence: missense variant.
Genome position (GRCh38, 1-based): chr2:73,519,833, G>T. VCF-style: chr2-73519833-G-T. GRCh37 (hg19) VCF-style: chr2-73746960-G-T.
Other names: c.9601G>T, p.Ala3201Ser (NM_015120.4); short protein forms A3201S, A3200S.
Identifiers: ClinVar variation 1970550 (VCV001970550.3), dbSNP rs1241101396, ClinGen allele CA347280978.